The following is an entry in ClinVar:

NM_001163278.2(TENM1):c.3708C>A (p.Thr1236=)

Gene: TENM1 (teneurin transmembrane protein 1; minus strand). Cytogenetic location: Xq25.
Variant type: single nucleotide variant.
Coding change: c.3708C>A on transcript NM_001163278.2 (MANE Select); coding-DNA position 3708, C replaced by A.
Protein change: p.Thr1236=; no amino-acid change (threonine 1236 retained).
Molecular consequence: synonymous variant. On other transcripts: intron variant (1).
Genome position (GRCh38, 1-based): chrX:124,487,217, G>T on the plus strand (C>A on the coding strand, the complement: TENM1 is on the minus strand). VCF-style: chrX-124487217-G-T. GRCh37 (hg19) VCF-style: chrX-123621067-G-T.
Other names: c.3705C>A, p.Thr1235= (NM_001163279.1); c.3696-5253C>A (NM_014253.3).
Identifiers: ClinVar variation 2661365 (VCV002661365.24), dbSNP rs2523490892, ClinGen allele CA518188565.

ClinVar aggregate classification (germline): Likely benign (1 of 4 stars; one submission).

Submission:

CeGaT Center for Human Genetics Tuebingen
Classification: Likely benign. Last evaluated: 2023-03-01. Review status: criteria provided, single submitter. Criteria: CeGaT Center For Human Genetics Tuebingen Variant Classification Criteria Version 2. Collection method: clinical testing. Allele origin: germline. Affected: yes. Observed: 1 variant allele.
Comment: TENM1: PM2:Supporting, BP4, BP7